The following is an entry in ClinVar:

NM_001854.4(COL11A1):c.3685C>T (p.Pro1229Ser)

Gene: COL11A1 (collagen type XI alpha 1 chain; minus strand). Cytogenetic location: 1p21.1.
Variant type: single nucleotide variant.
Coding change: c.3685C>T on transcript NM_001854.4 (MANE Select); coding-DNA position 3685, C replaced by T.
Protein change: p.Pro1229Ser; replaces proline 1229 with serine.
Molecular consequence: missense variant. On other transcripts: non-coding transcript variant (1).
Genome position (GRCh38, 1-based): chr1:102,921,541, G>A on the plus strand (C>T on the coding strand, the complement: COL11A1 is on the minus strand). VCF-style: chr1-102921541-G-A. GRCh37 (hg19) VCF-style: chr1-103387097-G-A.
Other names: c.3568C>T, p.Pro1190Ser (NM_001190709.2); c.3721C>T, p.Pro1241Ser (NM_080629.3); c.3337C>T, p.Pro1113Ser (NM_080630.4); short protein forms P1113S, P1190S, P1229S, P1241S.
Identifiers: ClinVar variation 3361613 (VCV003361613.2).

ClinVar aggregate classification (germline): Uncertain significance. Review status: criteria provided, multiple submitters, no conflicts (2 of 4 stars). 2 submissions from 2 submitters: Uncertain significance (2). Last evaluated 2024-12-04.

Conditions:
Inborn genetic diseases. Identifiers: MedGen C0950123, MeSH D030342.

gnomAD v4.1: 3 of 1,613,210 alleles (0.00019%); highest among the groups gnomAD compares: South Asian, 0.0022%; no homozygotes.

Submissions (2):

Ambry Genetics
Classification: Uncertain significance for Inborn genetic diseases. Last evaluated: 2024-12-04. Review status: criteria provided, single submitter. Criteria: Ambry Variant Classification Scheme 2023. Collection method: clinical testing. Allele origin: germline.

GeneDx
Classification: Uncertain significance. Last evaluated: 2023-07-28. Review status: criteria provided, single submitter. Criteria: GeneDx Variant Classification Process June 2021. Collection method: clinical testing. Allele origin: germline. Affected: yes.
Comment: Not observed at significant frequency in large population cohorts (gnomAD); In silico analysis supports that this missense variant has a deleterious effect on protein structure/function; Has not been previously published as pathogenic or benign to our knowledge